The following is an entry in ClinVar:

ClinVar aggregate classification (germline): Likely benign. Review status: criteria provided, multiple submitters, no conflicts (2 of 4 stars). 2 submissions from 2 submitters: Likely benign (2). Last evaluated 2025-05-23.

Conditions:
Ataxia-telangiectasia syndrome (AT). Also called: Ataxia-telangiectasia, complementation group D; Ataxia telangiectasia (A-T); LOUIS-BAR SYNDROME; AT, COMPLEMENTATION GROUP C; Ataxia-telangiectasia; ATAXIA-TELANGIECTASIA, COMPLEMENTATION GROUP A. Identifiers: Orphanet 100, MedGen C0004135, MONDO:0008840, OMIM 208900.
Familial cancer of breast. Also called: Hereditary breast cancer; hereditary breast carcinoma; BREAST CANCER, FAMILIAL. Identifiers: Orphanet 227535, MedGen C0346153, MONDO:0016419, OMIM 114480. Disease mechanism: loss of function.

Allele frequency attached by ClinVar (database versions not stated): gnomAD exomes below 0.00001; ExAC 0.00001.
gnomAD v4.1: 1 of 1,610,306 alleles (0.000062%); highest among the groups gnomAD compares: Admixed American, 0.0017%; no homozygotes.

Submissions (2):

Labcorp Genetics (formerly Invitae), Labcorp
Classification: Likely benign for Ataxia-telangiectasia syndrome. Last evaluated: 2025-05-23. Review status: criteria provided, single submitter. Criteria: Invitae Variant Classification Sherloc (09022015). Collection method: clinical testing. Allele origin: germline.

Myriad Genetics, Inc.
Classification: Likely benign for Familial cancer of breast. Last evaluated: 2024-05-22. Review status: criteria provided, single submitter. Criteria: Myriad Autosomal Dominant, Autosomal Recessive and X-Linked Classification Criteria (2023). Collection method: clinical testing. Allele origin: unknown.
Comment: This variant is considered likely benign. This variant is intronic and is not expected to impact mRNA splicing.

NM_000051.4(ATM):c.5177+9T>C

Gene: ATM (ATM serine/threonine kinase; plus strand). Cytogenetic location: 11q22.3.
Variant type: single nucleotide variant.
Coding change: c.5177+9T>C on transcript NM_000051.4 (MANE Select); 9 bases into the intron after coding-DNA position 5177, T replaced by C.
Molecular consequence: intron variant.
Genome position (GRCh38, 1-based): chr11:108,299,894, T>C. VCF-style: chr11-108299894-T-C. GRCh37 (hg19) VCF-style: chr11-108170621-T-C.
Other names: c.5177+9T>C (NM_001351834.2).
Identifiers: ClinVar variation 1106817 (VCV001106817.11), dbSNP rs767425639, ClinGen allele CA6265640.
Genomic context (GRCh38, chr11:108,299,894, plus strand): 5'-AGTGGACCTTCATAATGCTGACCTACCTGAATAACACACTGGTAGAAGATTGGTGAGTAT[T>C]TATTGATACCTTATATGTAATCTCAATATGACATTCATGGAGAATGATACTTCACACAAA-3'